The following is an entry in ClinVar:

ClinVar aggregate classification (germline): Benign/Likely benign. Review status: criteria provided, multiple submitters, no conflicts (2 of 4 stars). 8 submissions from 8 submitters: Benign (4); Likely benign (1). 3 of the submissions do not count toward it. Last evaluated 2026-01-31.

Conditions:
KDM6A-related disorder. Also called: KDM6A-related condition.
Kabuki syndrome 2 (KABUK2). Also called: KDM6A-Related Kabuki Syndrome. Identifiers: Orphanet 2322, MedGen C3275495, MONDO:0010465, OMIM 300867.
Intellectual disability. Also called: intellectual disabilities; Intellectual developmental disorder; Intellectual functioning disability. Identifiers: MedGen C3714756, MeSH D008607, MONDO:0001071, HP:0001249.

Allele frequency attached by ClinVar (database versions not stated): gnomAD 0.00208 and 0.00180; TOPMed 0.00248; gnomAD exomes 0.00018 and 0.00038; ExAC 0.00067; 1000 Genomes Project 30x 0.00104; 1000 Genomes Project 0.00106; ESP Exome Variant Server 0.00128.
gnomAD v4.1: 397 of 1,193,516 alleles (0.033%); highest among the groups gnomAD compares: African/African-American, 0.65%; 1 homozygote.

Submissions (8):

Labcorp Genetics (formerly Invitae), Labcorp
Classification: Benign for Kabuki syndrome 2. Last evaluated: 2026-01-31. Review status: criteria provided, single submitter. Criteria: Invitae Variant Classification Sherloc (09022015). Collection method: clinical testing. Allele origin: germline.

Blueprint Genetics
Classification: Likely benign. Last evaluated: 2024-11-27. Review status: criteria provided, single submitter. Criteria: ACMG Guidelines, 2015. Collection method: clinical testing. Allele origin: germline.

GeneDx
Classification: Benign. Last evaluated: 2019-02-22. Review status: criteria provided, single submitter. Criteria: GeneDx Variant Classification Process June 2021. Collection method: clinical testing. Allele origin: germline. Affected: yes.

Genetic Services Laboratory, University of Chicago
Classification: Benign. Last evaluated: 2018-05-01. Review status: criteria provided, single submitter. Criteria: ACMG Guidelines, 2015. Collection method: clinical testing. Allele origin: germline. Affected: no.

Center for Pediatric Genomic Medicine, Children's Mercy Hospital and Clinics
Classification: Benign. Last evaluated: 2016-05-19. Review status: criteria provided, single submitter. Criteria: ACMG Guidelines, 2015. Collection method: clinical testing. Allele origin: germline.

PreventionGenetics, part of Exact Sciences
Classification: Benign for KDM6A-related condition. Last evaluated: 2021-06-14. Review status: no assertion criteria provided. Collection method: clinical testing. Allele origin: germline. Not counted in ClinVar's aggregate classification.
Comment: This variant is classified as benign based on ACMG/AMP sequence variant interpretation guidelines (Richards et al. 2015 PMID: 25741868, with internal and published modifications).

Centre de Biologie Pathologie Génétique, Centre Hospitalier Universitaire de Lille
Classification: Likely benign for Intellectual disability. Last evaluated: 2019-01-01. Review status: no assertion criteria provided. Collection method: clinical testing. Allele origin: inherited. Affected: yes. Not counted in ClinVar's aggregate classification.

ITMI
No classification provided. Condition: AllHighlyPenetrant. Last evaluated: 2013-09-19. Review status: no classification provided. Collection method: reference population. Allele origin: germline. Not counted in ClinVar's aggregate classification.
Comment: Please see associated publication for description of ethnicities

Literature cited by the submitters: PubMed 24728327 (cited by ITMI).

NM_001291415.2(KDM6A):c.88G>A (p.Ala30Thr)

Gene: KDM6A (lysine demethylase 6A; plus strand). Cytogenetic location: Xp11.3.
Variant type: single nucleotide variant.
Coding change: c.88G>A on transcript NM_001291415.2 (MANE Select); coding-DNA position 88, G replaced by A.
Protein change: p.Ala30Thr; replaces alanine 30 with threonine.
Molecular consequence: missense variant. On other transcripts: 5 prime UTR variant (1), non-coding transcript variant (1).
Genome position (GRCh38, 1-based): chrX:44,873,639, G>A. VCF-style: chrX-44873639-G-A. GRCh37 (hg19) VCF-style: chrX-44732885-G-A.
Other names: c.88G>A, p.Ala30Thr (NM_001291416.2, NM_001291417.2, NM_001291418.2 and 1 more transcripts); c.-545G>A (NM_001291421.2); c.88G>A (NM_021140.2); short protein forms A30T.
Identifiers: ClinVar variation 134594 (VCV000134594.26), dbSNP rs6529, ClinGen allele CA160284.
Genomic context (GRCh38, chrX:44,873,639, plus strand): 5'-ACCGCCGCCGCTGCCGCCGCCGCTTTCGGTGATGAGGAAAAGAAAATGGCGGCGGGAAAA[G>A]CGAGCGGCGAGAGCGAGGAGGCGTCCCCCAGCCTGACAGCCGAGGAGAGGGAGGCGCTCG-3'
Protein context (NP_001278344.1, residues 20-40): DEEKKMAAGK[Ala30Thr]SGESEEASPS